The following is an entry in ClinVar:

NM_001172509.2(SATB2):c.2019C>T (p.His673=)

Genes: SATB2 (SATB homeobox 2; minus strand), LOC126806462 (MED14-independent group 3 enhancer GRCh37_chr2:200136608-200137807; plus strand). Cytogenetic location: 2q33.1.
Variant type: single nucleotide variant.
Coding change: c.2019C>T on transcript NM_001172509.2 (MANE Select); coding-DNA position 2019, C replaced by T.
Protein change: p.His673=; no amino-acid change (histidine 673 retained).
Molecular consequence: synonymous variant.
Genome position (GRCh38, 1-based): chr2:199,272,394, G>A on the plus strand (C>T on the coding strand, the complement: SATB2 is on the minus strand). VCF-style: chr2-199272394-G-A. GRCh37 (hg19) VCF-style: chr2-200137117-G-A.
Other names: c.2019C>T, p.His673= (NM_001172517.1, NM_015265.4).
Identifiers: ClinVar variation 749209 (VCV000749209.18), dbSNP rs752933023, ClinGen allele CA2045771.

ClinVar aggregate classification (germline): Likely benign. Review status: criteria provided, multiple submitters, no conflicts (2 of 4 stars). 3 submissions from 3 submitters: Likely benign (3). Last evaluated 2025-12-30.

Conditions:
Chromosome 2q32-q33 deletion syndrome (GLASS). Also called: 2q33.1 deletion syndrome; Glass syndrome. Identifiers: Orphanet 251019, MedGen C2676739, MONDO:0012864, OMIM 612313.

Allele frequency attached by ClinVar (database versions not stated): gnomAD exomes 0.00003 and 0.00005; gnomAD 0.00005 and 0.00006; TOPMed 0.00006; ExAC 0.00007.
gnomAD v4.1: 51 of 1,614,028 alleles (0.0032%); highest among the groups gnomAD compares: Non-Finnish European, 0.0042%; no homozygotes.

Submissions (3):

Women's Health and Genetics/Laboratory Corporation of America, LabCorp
Classification: Likely benign. Last evaluated: 2025-12-30. Review status: criteria provided, single submitter. Criteria: LabCorp Variant Classification Summary - May 2015. Collection method: clinical testing. Allele origin: germline.

CeGaT Center for Human Genetics Tuebingen
Classification: Likely benign. Last evaluated: 2025-12-01. Review status: criteria provided, single submitter. Criteria: CeGaT Center For Human Genetics Tuebingen Variant Classification Criteria Version 2. Collection method: clinical testing. Allele origin: germline. Affected: yes. Observed: 1 variant allele.
Comment: SATB2: BP4, BP7

Labcorp Genetics (formerly Invitae), Labcorp
Classification: Likely benign for Chromosome 2q32-q33 deletion syndrome. Last evaluated: 2025-10-07. Review status: criteria provided, single submitter. Criteria: Invitae Variant Classification Sherloc (09022015). Collection method: clinical testing. Allele origin: germline.